The following is an entry in ClinVar:

ClinVar aggregate classification (germline): Uncertain significance (1 of 4 stars; one submission).

Conditions:
Hereditary cancer-predisposing syndrome. Also called: Hereditary Cancer Syndrome; Tumor predisposition; Hereditary neoplastic syndrome; Neoplastic Syndromes, Hereditary. Identifiers: Orphanet 140162, MedGen C0027672, MeSH D009386, MONDO:0015356.

Submission:

Ambry Genetics
Classification: Uncertain significance for Hereditary cancer-predisposing syndrome. Last evaluated: 2024-07-15. Review status: criteria provided, single submitter. Criteria: Ambry Variant Classification Scheme 2023. Collection method: clinical testing. Allele origin: germline.
Comment: The p.W1007C variant (also known as c.3021G>T), located in coding exon 4 of the MSH6 gene, results from a G to T substitution at nucleotide position 3021. The tryptophan at codon 1007 is replaced by cysteine, an amino acid with highly dissimilar properties. This amino acid position is conserved. In addition, this alteration is predicted to be deleterious by in silico analysis. Based on the available evidence, the clinical significance of this variant remains unclear.

NM_000179.3(MSH6):c.3021G>T (p.Trp1007Cys)

Gene: MSH6 (mutS homolog 6; plus strand). Cytogenetic location: 2p16.3.
Variant type: single nucleotide variant.
Coding change: c.3021G>T on transcript NM_000179.3 (MANE Select); coding-DNA position 3021, G replaced by T.
Protein change: p.Trp1007Cys; replaces tryptophan 1007 with cysteine.
Molecular consequence: missense variant. On other transcripts: non-coding transcript variant (5), intron variant (2).
Genome position (GRCh38, 1-based): chr2:47,801,004, G>T. VCF-style: chr2-47801004-G-T. GRCh37 (hg19) VCF-style: chr2-48028143-G-T.
Other names: c.2631G>T, p.Trp877Cys (NM_001281492.2); c.2115G>T, p.Trp705Cys (NM_001281493.2, NM_001281494.2, NM_001406811.1 and 6 more transcripts); c.3117G>T, p.Trp1039Cys (NM_001406795.1, NM_001406802.1); c.3021G>T, p.Trp1007Cys (NM_001406796.1, NM_001406798.1, NM_001406800.1 and 2 more transcripts); c.2724G>T, p.Trp908Cys (NM_001406797.1, NM_001406801.1, NM_001406805.1 and 10 more transcripts); c.2496G>T, p.Trp832Cys (NM_001406799.1, NM_001406806.1, NM_001406807.1); c.2943G>T, p.Trp981Cys (NM_001406804.1); c.3027G>T, p.Trp1009Cys (NM_001406813.1); and 4 more; short protein forms W705C, W1009C, W1007C, W1039C, W877C, W981C, W322C, W832C.
Identifiers: ClinVar variation 3398879 (VCV003398879.1).